The following is an entry in ClinVar:

ClinVar aggregate classification (germline): Uncertain significance (1 of 4 stars; one submission).

Submission:

Ambry Genetics
Classification: Uncertain significance. Last evaluated: 2025-12-21. Review status: criteria provided, single submitter. Criteria: Ambry Variant Classification Scheme 2023. Collection method: clinical testing. Allele origin: germline.
Comment: The p.H604Q variant (also known as c.1812T>G), located in coding exon 12 of the RINT1 gene, results from a T to G substitution at nucleotide position 1812. The histidine at codon 604 is replaced by glutamine, an amino acid with highly similar properties. This amino acid position is conserved. In addition, this alteration is predicted to be tolerated by in silico analysis. Based on the available evidence, the clinical significance of this variant remains unclear.

NM_021930.6(RINT1):c.1812T>G (p.His604Gln)

Gene: RINT1 (RAD50 interactor 1; plus strand). Cytogenetic location: 7q22.3.
Variant type: single nucleotide variant.
Coding change: c.1812T>G on transcript NM_021930.6 (MANE Select); coding-DNA position 1812, T replaced by G.
Protein change: p.His604Gln; replaces histidine 604 with glutamine.
Molecular consequence: missense variant. On other transcripts: non-coding transcript variant (1).
Genome position (GRCh38, 1-based): chr7:105,563,873, T>G. VCF-style: chr7-105563873-T-G. GRCh37 (hg19) VCF-style: chr7-105204320-T-G.
Other names: c.1578T>G, p.His526Gln (NM_001346599.2); c.789T>G, p.His263Gln (NM_001346600.2, NM_001346603.2); c.888T>G, p.His296Gln (NM_001346601.2); short protein forms H604Q, H263Q, H526Q, H296Q.
Identifiers: ClinVar variation 4844121 (VCV004844121.1).
Genomic context (GRCh38, chr7:105,563,873, plus strand): 5'-AGCCTCTATGGAGAGCTCTGTCTTTGATGACATGATTAACCTCTTAGAACGTTTAAAGCA[T>G]GATATGTTGACCCGTCAAGTAGACCACGTTTTTAGAGAAGTTAAAGATGCTGCAAAATTG-3'
Protein context (NP_068749.3, residues 594-614): DMINLLERLK[His604Gln]DMLTRQVDHV